The following is an entry in ClinVar:

NM_001042492.3(NF1):c.275A>G (p.Lys92Arg)

Gene: NF1 (neurofibromin 1; plus strand). Cytogenetic location: 17q11.2.
Variant type: single nucleotide variant.
Coding change: c.275A>G on transcript NM_001042492.3 (MANE Select); coding-DNA position 275, A replaced by G.
Protein change: p.Lys92Arg; replaces lysine 92 with arginine.
Molecular consequence: missense variant.
Genome position (GRCh38, 1-based): chr17:31,159,080, A>G. VCF-style: chr17-31159080-A-G. GRCh37 (hg19) VCF-style: chr17-29486098-A-G.
Other names: c.275A>G, p.Lys92Arg (NM_001128147.3, NM_000267.4); short protein forms K92R.
Identifiers: ClinVar variation 841794 (VCV000841794.6), dbSNP rs2065718099, ClinGen allele CA398989818.

ClinVar aggregate classification (germline): Uncertain significance (1 of 4 stars; one submission).

Conditions:
Neurofibromatosis, type 1 (NF1). Also called: Peripheral type neurofibromatosis; VON RECKLINGHAUSEN DISEASE; Neurofibromatosis, type I; NEUROFIBROMATOSIS, TYPE I, SOMATIC. Identifiers: Orphanet 636, MedGen C0027831, MONDO:0018975, OMIM 162200. Disease mechanism: loss of function.

gnomAD v4.1: 1 of 1,608,622 alleles (0.000062%); no homozygotes.

Submission:

Labcorp Genetics (formerly Invitae), Labcorp
Classification: Uncertain significance for Neurofibromatosis, type 1. Last evaluated: 2019-12-18. Review status: criteria provided, single submitter. Criteria: Invitae Variant Classification Sherloc (09022015). Collection method: clinical testing. Allele origin: germline.
Comment: In summary, the available evidence is currently insufficient to determine the role of this variant in disease. Therefore, it has been classified as a Variant of Uncertain Significance. Algorithms developed to predict the effect of missense changes on protein structure and function are either unavailable or do not agree on the potential impact of this missense change (SIFT: "Tolerated"; PolyPhen-2: "Possibly Damaging"; Align-GVGD: "Class C0"). This variant has not been reported in the literature in individuals with NF1-related conditions. This variant is not present in population databases (ExAC no frequency). This sequence change replaces lysine with arginine at codon 92 of the NF1 protein (p.Lys92Arg). The lysine residue is highly conserved and there is a small physicochemical difference between lysine and arginine.